The following is an entry in ClinVar:

NM_001160372.4(TRAPPC9):c.52G>A (p.Val18Met)

Gene: TRAPPC9 (trafficking protein particle complex subunit 9; minus strand). Cytogenetic location: 8q24.3.
Variant type: single nucleotide variant.
Coding change: c.52G>A on transcript NM_001160372.4 (MANE Select); coding-DNA position 52, G replaced by A.
Protein change: p.Val18Met; replaces valine 18 with methionine.
Molecular consequence: missense variant. On other transcripts: non-coding transcript variant (1).
Genome position (GRCh38, 1-based): chr8:140,451,322, C>T on the plus strand (G>A on the coding strand, the complement: TRAPPC9 is on the minus strand). VCF-style: chr8-140451322-C-T. GRCh37 (hg19) VCF-style: chr8-141461421-C-T.
Other names: c.346G>A (NM_031466.5); c.52G>A, p.Val18Met (NM_001321646.2, NM_001374682.1, NM_001374683.1 and 2 more transcripts); short protein forms V18M.
Identifiers: ClinVar variation 1500496 (VCV001500496.10), dbSNP rs759083867, ClinGen allele CA4893813.

ClinVar aggregate classification (germline): Uncertain significance. Review status: criteria provided, multiple submitters, no conflicts (2 of 4 stars). 3 submissions from 3 submitters: Uncertain significance (3). Last evaluated 2025-01-16.

Conditions:
Inborn genetic diseases. Identifiers: MedGen C0950123, MeSH D030342.

Allele frequency attached by ClinVar (database versions not stated): gnomAD exomes 0.00001; TOPMed 0.00001; ExAC 0.00002.
gnomAD v4.1: 15 of 1,607,236 alleles (0.00093%); highest among the groups gnomAD compares: Non-Finnish European, 0.00085%; no homozygotes.

Submissions (3):

GeneDx
Classification: Uncertain significance. Last evaluated: 2025-01-16. Review status: criteria provided, single submitter. Criteria: GeneDx Variant Classification Process June 2021. Collection method: clinical testing. Allele origin: germline. Affected: yes.
Comment: Not observed at significant frequency in large population cohorts (gnomAD); In silico analysis indicates that this missense variant does not alter protein structure/function; Has not been previously published as pathogenic or benign to our knowledge

Labcorp Genetics (formerly Invitae), Labcorp
Classification: Uncertain significance. Last evaluated: 2022-02-08. Review status: criteria provided, single submitter. Criteria: Invitae Variant Classification Sherloc (09022015). Collection method: clinical testing. Allele origin: germline.
Comment: In summary, the available evidence is currently insufficient to determine the role of this variant in disease. Therefore, it has been classified as a Variant of Uncertain Significance. Algorithms developed to predict the effect of missense changes on protein structure and function are either unavailable or do not agree on the potential impact of this missense change (SIFT: "Not Available"; PolyPhen-2: "Probably Damaging"; Align-GVGD: "Not Available"). This variant has not been reported in the literature in individuals affected with TRAPPC9-related conditions. This variant is present in population databases (rs759083867, gnomAD 0.006%). This sequence change replaces valine, which is neutral and non-polar, with methionine, which is neutral and non-polar, at codon 116 of the TRAPPC9 protein (p.Val116Met).

Ambry Genetics
Classification: Uncertain significance for Inborn genetic diseases. Last evaluated: 2021-09-16. Review status: criteria provided, single submitter. Criteria: Ambry Variant Classification Scheme 2023. Collection method: clinical testing. Allele origin: germline.